The following is an entry in ClinVar:

NM_001164665.2(KIAA1549):c.5809C>T (p.Arg1937Trp)

Gene: KIAA1549 (KIAA1549; minus strand). Cytogenetic location: 7q34.
Variant type: single nucleotide variant.
Coding change: c.5809C>T on transcript NM_001164665.2 (MANE Select); coding-DNA position 5809, C replaced by T.
Protein change: p.Arg1937Trp; replaces arginine 1937 with tryptophan.
Molecular consequence: missense variant.
Genome position (GRCh38, 1-based): chr7:138,837,950, G>A on the plus strand (C>T on the coding strand, the complement: KIAA1549 is on the minus strand). VCF-style: chr7-138837950-G-A. GRCh37 (hg19) VCF-style: chr7-138522695-G-A.
Other names: c.5761C>T, p.Arg1921Trp (NM_020910.3); short protein forms R1937W, R1921W.
Identifiers: ClinVar variation 1898231 (VCV001898231.6), dbSNP rs1371399157, ClinGen allele CA369383135.

ClinVar aggregate classification (germline): Uncertain significance. Review status: criteria provided, multiple submitters, no conflicts (2 of 4 stars). 2 submissions from 2 submitters: Uncertain significance (2). Last evaluated 2025-04-28.

Conditions:
Inborn genetic diseases. Identifiers: MedGen C0950123, MeSH D030342.

Allele frequency attached by ClinVar (database versions not stated): gnomAD 0.00001; gnomAD exomes 0.00001; TOPMed 0.00003.

Submissions (2):

Labcorp Genetics (formerly Invitae), Labcorp
Classification: Uncertain significance. Last evaluated: 2025-04-28. Review status: criteria provided, single submitter. Criteria: Invitae Variant Classification Sherloc (09022015). Collection method: clinical testing. Allele origin: germline.
Comment: This sequence change replaces arginine, which is basic and polar, with tryptophan, which is neutral and slightly polar, at codon 1937 of the KIAA1549 protein (p.Arg1937Trp). This variant is present in population databases (no rsID available, gnomAD 0.007%). This variant has not been reported in the literature in individuals affected with KIAA1549-related conditions. ClinVar contains an entry for this variant (Variation ID: 1898231). An algorithm developed to predict the effect of missense changes on protein structure and function (PolyPhen-2) suggests that this variant is likely to be disruptive. In summary, the available evidence is currently insufficient to determine the role of this variant in disease. Therefore, it has been classified as a Variant of Uncertain Significance.

Ambry Genetics
Classification: Uncertain significance for Inborn genetic diseases. Last evaluated: 2021-08-02. Review status: criteria provided, single submitter. Criteria: Ambry Variant Classification Scheme 2023. Collection method: clinical testing. Allele origin: germline.